The following is an entry in ClinVar:

ClinVar aggregate classification (germline): Conflicting classifications of pathogenicity. Review status: criteria provided, conflicting classifications (1 of 4 stars). 2 submissions from 2 submitters: Uncertain significance (1); Likely benign (1). Last evaluated 2025-10-24.

Conditions:
Inborn genetic diseases. Identifiers: MedGen C0950123, MeSH D030342.
Thrombocytopenia 1. Also called: X-Linked Thrombocytopenia (XLT); THROMBOCYTOPENIA, X-LINKED, 1; X-linked thrombocytopenia with normal platelets. Identifiers: Orphanet 268322, Orphanet 852, MedGen C1839163, MONDO:0010743, OMIM 313900.
X-linked severe congenital neutropenia (SCNX). Identifiers: Orphanet 86788, MedGen C1845987, MONDO:0010294, OMIM 300299.
Wiskott-Aldrich syndrome (WAS). Also called: WISKOTT-ALDRICH SYNDROME 1; ALDRICH SYNDROME; IMMUNODEFICIENCY 2; Wiskott-aldrich syndrome, somatic. Identifiers: Orphanet 906, MedGen C0043194, MONDO:0010518, OMIM 301000.

Submissions (2):

Ambry Genetics
Classification: Likely benign for Inborn genetic diseases. Last evaluated: 2025-10-24. Review status: criteria provided, single submitter. Criteria: Ambry Variant Classification Scheme 2023. Collection method: clinical testing. Allele origin: germline.

Labcorp Genetics (formerly Invitae), Labcorp
Classification: Uncertain significance for Wiskott-Aldrich syndrome; X-linked severe congenital neutropenia; Thrombocytopenia 1. Last evaluated: 2025-05-11. Review status: criteria provided, single submitter. Criteria: Invitae Variant Classification Sherloc (09022015). Collection method: clinical testing. Allele origin: germline.
Comment: This sequence change replaces leucine, which is neutral and non-polar, with proline, which is neutral and non-polar, at codon 415 of the WAS protein (p.Leu415Pro). This variant is not present in population databases (gnomAD no frequency). This variant has not been reported in the literature in individuals affected with WAS-related conditions. ClinVar contains an entry for this variant (Variation ID: 2925131). Invitae Evidence Modeling of protein sequence and biophysical properties (such as structural, functional, and spatial information, amino acid conservation, physicochemical variation, residue mobility, and thermodynamic stability) indicates that this missense variant is not expected to disrupt WAS protein function with a negative predictive value of 80%. In summary, the available evidence is currently insufficient to determine the role of this variant in disease. Therefore, it has been classified as a Variant of Uncertain Significance.

NM_000377.3(WAS):c.1244T>C (p.Leu415Pro)

Gene: WAS (WASP actin nucleation promoting factor; plus strand). Cytogenetic location: Xp11.23.
Variant type: single nucleotide variant.
Coding change: c.1244T>C on transcript NM_000377.3 (MANE Select); coding-DNA position 1244, T replaced by C.
Protein change: p.Leu415Pro; replaces leucine 415 with proline.
Molecular consequence: missense variant.
Genome position (GRCh38, 1-based): chrX:48,688,972, T>C. VCF-style: chrX-48688972-T-C. GRCh37 (hg19) VCF-style: chrX-48547361-T-C.
Other names: short protein forms L415P.
Identifiers: ClinVar variation 2925131 (VCV002925131.4), dbSNP rs782115211, ClinGen allele CA10404058.